The following is an entry in ClinVar:

ClinVar aggregate classification (germline): Uncertain significance (1 of 4 stars; one submission).

Conditions:
Inborn genetic diseases. Identifiers: MedGen C0950123, MeSH D030342.

Submission:

Ambry Genetics
Classification: Uncertain significance for Inborn genetic diseases. Last evaluated: 2025-05-21. Review status: criteria provided, single submitter. Criteria: Ambry Variant Classification Scheme 2023. Collection method: clinical testing. Allele origin: germline.
Comment: The p.N317D variant (also known as c.949A>G), located in coding exon 1 of the SAMD9L gene, results from an A to G substitution at nucleotide position 949. The asparagine at codon 317 is replaced by aspartic acid, an amino acid with highly similar properties. This amino acid position is conserved. In addition, this alteration is predicted to be tolerated by in silico analysis. Based on the available evidence, the clinical significance of this variant remains unclear.

NM_152703.5(SAMD9L):c.949A>G (p.Asn317Asp)

Gene: SAMD9L (sterile alpha motif domain containing 9 like; minus strand). Cytogenetic location: 7q21.2.
Variant type: single nucleotide variant.
Coding change: c.949A>G on transcript NM_152703.5 (MANE Select); coding-DNA position 949, A replaced by G.
Protein change: p.Asn317Asp; replaces asparagine 317 with aspartic acid.
Molecular consequence: missense variant.
Genome position (GRCh38, 1-based): chr7:93,135,023, T>C on the plus strand (A>G on the coding strand, the complement: SAMD9L is on the minus strand). VCF-style: chr7-93135023-T-C. GRCh37 (hg19) VCF-style: chr7-92764336-T-C.
Other names: c.949A>G, p.Asn317Asp (NM_001303496.3, NM_001303497.3, NM_001303498.3 and 5 more transcripts); short protein forms N317D.
Identifiers: ClinVar variation 3949946 (VCV003949946.1).
Genomic context (GRCh38, chr7:93,135,023, plus strand): 5'-GGTTTTGTTTCCATATTTTATCTTTACAAATTTGCATCTGAATGTAGAAATACTTATCAT[T>C]ACATATAGAGTGTTTTGGAATAGTATCAACTTCAATGACAAATCTGTCAGATGGTGTATT-3'
Protein context (NP_689916.2, residues 307-327): VDTIPKHSIC[Asn317Asp]DKYFYIQMQI